The following is an entry in ClinVar:

NM_003803.4(MYOM1):c.813C>A (p.Asp271Glu)

Gene: MYOM1 (myomesin 1; minus strand). Cytogenetic location: 18p11.31.
Variant type: single nucleotide variant.
Coding change: c.813C>A on transcript NM_003803.4 (MANE Select); coding-DNA position 813, C replaced by A.
Protein change: p.Asp271Glu; replaces aspartic acid 271 with glutamic acid.
Molecular consequence: missense variant.
Genome position (GRCh38, 1-based): chr18:3,187,596, G>T on the plus strand (C>A on the coding strand, the complement: MYOM1 is on the minus strand). VCF-style: chr18-3187596-G-T. GRCh37 (hg19) VCF-style: chr18-3187594-G-T.
Other names: c.813C>A, p.Asp271Glu (NM_019856.2); short protein forms D271E.
Identifiers: ClinVar variation 5025268 (VCV005025268.1).

ClinVar aggregate classification (germline): Uncertain significance (1 of 4 stars; one submission).

Submission:

Ambry Genetics
Classification: Uncertain significance. Last evaluated: 2026-07-09. Review status: criteria provided, single submitter. Criteria: Ambry Variant Classification Scheme 2023. Collection method: clinical testing. Allele origin: germline.
Comment: The p.D271E variant (also known as c.813C>A), located in coding exon 4 of the MYOM1 gene, results from a C to A substitution at nucleotide position 813. The aspartic acid at codon 271 is replaced by glutamic acid, an amino acid with highly similar properties. This amino acid position is conserved. In addition, this alteration is predicted to be tolerated by in silico analysis. Based on the available evidence, the clinical significance of this variant remains unclear.